The following is an entry in ClinVar:

NM_000051.4(ATM):c.6757_6763del (p.Lys2253fs)

Genes: ATM (ATM serine/threonine kinase; plus strand), C11orf65 (chromosome 11 open reading frame 65; minus strand). Cytogenetic location: 11q22.3.
Variant type: Deletion.
Coding change: c.6757_6763del on transcript NM_000051.4 (MANE Select); coding-DNA positions 6757 to 6763, 7 bases deleted (AAACACC; older notation c.6757_6763delAAACACC).
Protein change: p.Lys2253fs; shifts the reading frame from lysine 2253.
Molecular consequence: frameshift variant. On other transcripts: intron variant (2).
Genome position (GRCh38, 1-based): chr11:108,325,494-108,325,500, AAACACC deleted; deleting any 7 consecutive bases within chr11:108,325,490-108,325,500 gives the same sequence; the c. name uses the placement nearest the transcript's 3' end. VCF-style (leftmost placement, unchanged base first): chr11-108325489-TCACCAAA-T. GRCh37 (hg19) VCF-style: chr11-108196216-TCACCAAA-T.
Other names: c.6757_6763del, p.Lys2253fs (NM_001351834.2); c.641-16425_641-16419del (NM_001330368.2); c.*38+9724_*38+9730del (NM_001351110.2); short protein forms K2253fs.
Identifiers: ClinVar variation 3660672 (VCV003660672.2).

ClinVar aggregate classification (germline): Pathogenic (1 of 4 stars; one submission).

Conditions:
Ataxia-telangiectasia syndrome (AT). Also called: Ataxia-telangiectasia, complementation group D; AT, COMPLEMENTATION GROUP C; ATAXIA-TELANGIECTASIA, COMPLEMENTATION GROUP A; ATAXIA-TELANGIECTASIA, FRESNO VARIANT; Ataxia-telangiectasia; Ataxia-telangiectasia, complementation group E. Identifiers: Orphanet 100, MedGen C0004135, MONDO:0008840, OMIM 208900.

Submission:

Labcorp Genetics (formerly Invitae), Labcorp
Classification: Pathogenic for Ataxia-telangiectasia syndrome. Last evaluated: 2024-07-26. Review status: criteria provided, single submitter. Criteria: Invitae Variant Classification Sherloc (09022015). Collection method: clinical testing. Allele origin: germline.
Comment: This sequence change creates a premature translational stop signal (p.Lys2253Leufs*2) in the ATM gene. It is expected to result in an absent or disrupted protein product. Loss-of-function variants in ATM are known to be pathogenic (PMID: 23807571, 25614872). This variant is not present in population databases (gnomAD no frequency). This variant has not been reported in the literature in individuals affected with ATM-related conditions. For these reasons, this variant has been classified as Pathogenic.

Literature cited by the submitters: PubMed 23807571; PubMed 25614872.